The following is an entry in ClinVar:

ClinVar aggregate classification (germline): Uncertain significance. Review status: criteria provided, multiple submitters, no conflicts (2 of 4 stars). 3 submissions from 3 submitters: Uncertain significance (3). Last evaluated 2025-08-12.

Conditions:
Autosomal recessive cerebellar ataxia-saccadic intrusion syndrome. Also called: SPINOCEREBELLAR ATAXIA 24; VPS13D Movement Disorder. Identifiers: Orphanet 95434, MedGen C1846492, MONDO:0011811, OMIM 607317.
Inborn genetic diseases. Identifiers: MedGen C0950123, MeSH D030342.

Allele frequency attached by ClinVar (database versions not stated): ExAC 0.00002; gnomAD 0.00005; TOPMed 0.00008.
gnomAD v4.1: 32 of 1,612,468 alleles (0.002%); highest among the groups gnomAD compares: Admixed American, 0.035%; no homozygotes.

Submissions (3):

Ambry Genetics
Classification: Uncertain significance for Inborn genetic diseases. Last evaluated: 2025-08-12. Review status: criteria provided, single submitter. Criteria: Ambry Variant Classification Scheme 2023. Collection method: clinical testing. Allele origin: germline.

Laboratorio de Genetica e Diagnostico Molecular, Hospital Israelita Albert Einstein
Classification: Uncertain significance for Autosomal recessive cerebellar ataxia-saccadic intrusion syndrome. Last evaluated: 2024-09-16. Review status: criteria provided, single submitter. Criteria: ACMG Guidelines, 2015. Collection method: clinical testing. Allele origin: germline. Affected: yes.
Comment: ACMG classification criteria: PM2 supporting, PP2 supporting, BP4 supporting

Labcorp Genetics (formerly Invitae), Labcorp
Classification: Uncertain significance. Last evaluated: 2022-08-08. Review status: criteria provided, single submitter. Criteria: Invitae Variant Classification Sherloc (09022015). Collection method: clinical testing. Allele origin: germline.
Comment: In summary, the available evidence is currently insufficient to determine the role of this variant in disease. Therefore, it has been classified as a Variant of Uncertain Significance. Algorithms developed to predict the effect of missense changes on protein structure and function are either unavailable or do not agree on the potential impact of this missense change (SIFT: "Deleterious"; PolyPhen-2: "Possibly Damaging"; Align-GVGD: "Class C0"). This variant has not been reported in the literature in individuals affected with VPS13D-related conditions. This variant is present in population databases (rs201383231, gnomAD 0.02%). This sequence change replaces aspartic acid, which is acidic and polar, with asparagine, which is neutral and polar, at codon 2534 of the VPS13D protein (p.Asp2534Asn).

NM_015378.4(VPS13D):c.7600G>A (p.Asp2534Asn)

Gene: VPS13D (vacuolar protein sorting 13 homolog D; plus strand). Cytogenetic location: 1p36.22.
Variant type: single nucleotide variant.
Coding change: c.7600G>A on transcript NM_015378.4 (MANE Select); coding-DNA position 7600, G replaced by A.
Protein change: p.Asp2534Asn; replaces aspartic acid 2534 with asparagine.
Molecular consequence: missense variant.
Genome position (GRCh38, 1-based): chr1:12,321,860, G>A. VCF-style: chr1-12321860-G-A. GRCh37 (hg19) VCF-style: chr1-12381917-G-A.
Other names: c.7600G>A (NM_015378.2); c.7600G>A, p.Asp2534Asn (NM_018156.4); short protein forms D2534N.
Identifiers: ClinVar variation 2172807 (VCV002172807.4), dbSNP rs201383231, ClinGen allele CA602884.
Genomic context (GRCh38, chr1:12,321,860, plus strand): 5'-ATTCTGTAGGTGTTTTCATGCCGACTAGGGAATGAGCATGATACAGCTCTTTCAATTGTG[G>A]ATCCCGTACAAATTCAAATGGAGTTGGTGGGGAATTCTTCTTATCAAAATAGTTCAGGAT-3'
Protein context (NP_056193.2, residues 2524-2544): NEHDTALSIV[Asp2534Asn]PVQIQMELVG